The following is an entry in ClinVar:

NM_004366.6(CLCN2):c.641T>C (p.Met214Thr)

Gene: CLCN2 (chloride voltage-gated channel 2; minus strand). Cytogenetic location: 3q27.1.
Variant type: single nucleotide variant.
Coding change: c.641T>C on transcript NM_004366.6 (MANE Select); coding-DNA position 641, T replaced by C.
Protein change: p.Met214Thr; replaces methionine 214 with threonine.
Molecular consequence: missense variant.
Genome position (GRCh38, 1-based): chr3:184,357,831, A>G on the plus strand (T>C on the coding strand, the complement: CLCN2 is on the minus strand). VCF-style: chr3-184357831-A-G. GRCh37 (hg19) VCF-style: chr3-184075619-A-G.
Other names: c.641T>C, p.Met214Thr (NM_001171087.3, NM_001171089.3); c.509T>C, p.Met170Thr (NM_001171088.3); short protein forms M170T, M214T.
Identifiers: ClinVar variation 2654323 (VCV002654323.24), dbSNP rs2108572345, ClinGen allele CA355456374.

ClinVar aggregate classification (germline): Uncertain significance (1 of 4 stars; one submission).

Allele frequency attached by ClinVar (database versions not stated): gnomAD 0.00001.
gnomAD v4.1: 1 of 1,613,970 alleles (0.000062%); highest among the groups gnomAD compares: Middle Eastern, 0.016%; no homozygotes.

Submission:

CeGaT Center for Human Genetics Tuebingen
Classification: Uncertain significance. Last evaluated: 2022-07-01. Review status: criteria provided, single submitter. Criteria: CeGaT Center For Human Genetics Tuebingen Variant Classification Criteria Version 2. Collection method: clinical testing. Allele origin: germline. Affected: yes. Observed: 1 variant allele.
Comment: CLCN2: PM2